The following is an entry in ClinVar:

ClinVar aggregate classification (germline): Uncertain significance. Review status: criteria provided, multiple submitters, no conflicts (2 of 4 stars). 4 submissions from 4 submitters: Uncertain significance (4). Last evaluated 2025-08-15.

Conditions:
Inborn genetic diseases. Identifiers: MedGen C0950123, MeSH D030342.
RYR1-related disorder. Also called: RYR1-related disorders; RYR1-related condition. Identifiers: MedGen CN239331.
Malignant hyperthermia, susceptibility to, 1 (MHS1). Also called: RYR1-Related Malignant Hyperthermia Susceptibility; Malignant hyperthermia suceptibility 1; Anesthesia related hyperthermia; Malignant hyperpyrexia; Fulminating hyperpyrexia; Pharmacogenic myopathy. Identifiers: Orphanet 423, MedGen C2930980, MONDO:0007783, OMIM 145600.

Allele frequency attached by ClinVar (database versions not stated): 1000 Genomes Project 30x 0.00016.
gnomAD v4.1: 7 of 1,613,632 alleles (0.00043%); highest among the groups gnomAD compares: East Asian, 0.0089%; no homozygotes.

Submissions (4):

Color Diagnostics, LLC DBA Color Health
Classification: Uncertain significance for Malignant hyperthermia, susceptibility to, 1. Last evaluated: 2025-08-15. Review status: criteria provided, single submitter. Criteria: ACMG Guidelines, 2015. Collection method: clinical testing. Allele origin: germline.
Comment: This missense variant replaces proline with histidine at codon 1780 of the RYR1 protein. Computational prediction suggests that this variant may not impact protein structure and function. To our knowledge, functional studies have not been reported for this variant. This variant has not been reported in individuals affected with RYR1-related disorders in the literature. This variant has been identified in 5/244864 chromosomes in the general population by the Genome Aggregation Database (gnomAD). The available evidence is insufficient to determine the role of this variant in disease conclusively. Therefore, this variant is classified as a Variant of Uncertain Significance.

Ambry Genetics
Classification: Uncertain significance for Inborn genetic diseases. Last evaluated: 2025-03-26. Review status: criteria provided, single submitter. Criteria: Ambry Variant Classification Scheme 2023. Collection method: clinical testing. Allele origin: germline.

All of Us Research Program, National Institutes of Health
Classification: Uncertain significance for Malignant hyperthermia, susceptibility to, 1. Last evaluated: 2023-05-04. Review status: criteria provided, single submitter. Criteria: ACMG Guidelines, 2015. Collection method: clinical testing. Allele origin: germline. Inheritance: Autosomal dominant inheritance. Observed: 1 variant allele, 1 heterozygote.
Comment: This missense variant replaces proline with histidine at codon 1780 of the RYR1 protein. Computational prediction suggests that this variant may not impact protein structure and function (internally defined REVEL score threshold <= 0.5, PMID: 27666373). To our knowledge, functional studies have not been reported for this variant. This variant has not been reported in individuals affected with RYR1-related disorders in the literature. This variant has been identified in 5/244864 chromosomes in the general population by the Genome Aggregation Database (gnomAD). The available evidence is insufficient to determine the role of this variant in disease conclusively. Therefore, this variant is classified as a Variant of Uncertain Significance.

This study involves interpretation of variants in research participants for the purpose of population health screening. Participant phenotype was not available at the time of variant classification. Additional details can be found in publication PMID: 35346344, PMCID: PMC8962531

Labcorp Genetics (formerly Invitae), Labcorp
Classification: Uncertain significance for RYR1-related disorder. Last evaluated: 2022-03-13. Review status: criteria provided, single submitter. Criteria: Invitae Variant Classification Sherloc (09022015). Collection method: clinical testing. Allele origin: germline.
Comment: This sequence change replaces proline, which is neutral and non-polar, with histidine, which is basic and polar, at codon 1780 of the RYR1 protein (p.Pro1780His). This variant is present in population databases (no rsID available, gnomAD 0.02%). This variant has not been reported in the literature in individuals affected with RYR1-related conditions. Advanced modeling of protein sequence and biophysical properties (such as structural, functional, and spatial information, amino acid conservation, physicochemical variation, residue mobility, and thermodynamic stability) performed at Invitae indicates that this missense variant is not expected to disrupt RYR1 protein function. In summary, the available evidence is currently insufficient to determine the role of this variant in disease. Therefore, it has been classified as a Variant of Uncertain Significance.

NM_000540.3(RYR1):c.5339C>A (p.Pro1780His)

Gene: RYR1 (ryanodine receptor 1; plus strand). Cytogenetic location: 19q13.2.
Variant type: single nucleotide variant.
Coding change: c.5339C>A on transcript NM_000540.3 (MANE Select); coding-DNA position 5339, C replaced by A.
Protein change: p.Pro1780His; replaces proline 1780 with histidine.
Molecular consequence: missense variant.
Genome position (GRCh38, 1-based): chr19:38,485,994, C>A. VCF-style: chr19-38485994-C-A. GRCh37 (hg19) VCF-style: chr19-38976634-C-A.
Other names: c.5339C>A, p.Pro1780His (NM_001042723.2); short protein forms P1780H.
Identifiers: ClinVar variation 2186944 (VCV002186944.4), dbSNP rs369480385, ClinGen allele CA081765.